The following is an entry in ClinVar:

NM_001374736.1(DST):c.18847C>A (p.Pro6283Thr)

Gene: DST (dystonin; minus strand). Cytogenetic location: 6p12.1.
Variant type: single nucleotide variant.
Coding change: c.18847C>A on transcript NM_001374736.1 (MANE Select); coding-DNA position 18847, C replaced by A.
Protein change: p.Pro6283Thr; replaces proline 6283 with threonine.
Molecular consequence: missense variant.
Genome position (GRCh38, 1-based): chr6:56,509,807, G>T on the plus strand (C>A on the coding strand, the complement: DST is on the minus strand). VCF-style: chr6-56509807-G-T. GRCh37 (hg19) VCF-style: chr6-56374605-G-T.
Other names: c.12490C>A, p.Pro4164Thr (NM_001144769.5); c.12076C>A, p.Pro4026Thr (NM_001144770.2); c.18847C>A, p.Pro6283Thr (NM_001374722.1); c.17887C>A, p.Pro5963Thr (NM_001374729.1); c.11629C>A, p.Pro3877Thr (NM_001374730.1); c.18874C>A, p.Pro6292Thr (NM_001374734.1); c.10978C>A, p.Pro3660Thr (NM_015548.5); c.11956C>A, p.Pro3986Thr (NM_183380.4); short protein forms P3660T, P6283T, P6292T, P3986T, P3877T, P4026T, P4164T, P5963T.
Identifiers: ClinVar variation 969246 (VCV000969246.8), dbSNP rs2096430348, ClinGen allele CA364524254.

ClinVar aggregate classification (germline): Uncertain significance (1 of 4 stars; one submission).

Conditions:
Epidermolysis bullosa simplex 3, localized or generalized intermediate, with BP230 deficiency (EBS3). Also called: Epidermolysis bullosa simplex, autosomal recessive 2; Epidermolysis bullosa simplex due to BP230 deficiency. Identifiers: Orphanet 412181, MedGen C3809470, MONDO:0014180, OMIM 615425.
Hereditary sensory and autonomic neuropathy type 6. Also called: Neuropathy, hereditary sensory and autonomic, type VI; HSAN VI. Identifiers: Orphanet 314381, MedGen C3539003, MONDO:0013839, OMIM 614653.

Submission:

Labcorp Genetics (formerly Invitae), Labcorp
Classification: Uncertain significance for Epidermolysis bullosa simplex 3, localized or generalized intermediate, with BP230 deficiency; Hereditary sensory and autonomic neuropathy type 6. Last evaluated: 2019-12-08. Review status: criteria provided, single submitter. Criteria: Invitae Variant Classification Sherloc (09022015). Collection method: clinical testing. Allele origin: germline.
Comment: In summary, the available evidence is currently insufficient to determine the role of this variant in disease. Therefore, it has been classified as a Variant of Uncertain Significance. Algorithms developed to predict the effect of missense changes on protein structure and function are either unavailable or do not agree on the potential impact of this missense change (SIFT: "Tolerated"; PolyPhen-2: "Not Available"; Align-GVGD: "Class C0"). This variant has not been reported in the literature in individuals with DST-related conditions. This variant is not present in population databases (ExAC no frequency). This sequence change replaces proline with threonine at codon 3660 of the DST protein (p.Pro3660Thr). The proline residue is moderately conserved and there is a small physicochemical difference between the two amino acids. The DST gene has multiple clinically relevant transcripts. This variant occurs in alternate transcript NM_015548.4, and corresponds to NM_001723.5:c.*105710C>A in the primary transcript.